The following is an entry in ClinVar:

NM_033641.4(COL4A6):c.1583C>A (p.Ala528Asp)

Gene: COL4A6 (collagen type IV alpha 6 chain; minus strand). Cytogenetic location: Xq22.3.
Variant type: single nucleotide variant.
Coding change: c.1583C>A on transcript NM_033641.4 (MANE Select); coding-DNA position 1583, C replaced by A.
Protein change: p.Ala528Asp; replaces alanine 528 with aspartic acid.
Molecular consequence: missense variant.
Genome position (GRCh38, 1-based): chrX:108,188,521, G>T on the plus strand (C>A on the coding strand, the complement: COL4A6 is on the minus strand). VCF-style: chrX-108188521-G-T. GRCh37 (hg19) VCF-style: chrX-107431751-G-T.
Other names: c.1583C>A, p.Ala528Asp (NM_001287758.2, NM_001287759.2, NM_001287760.2 and 1 more transcripts); c.1586C>A, p.Ala529Asp (NM_001440759.1, NM_001847.4); short protein forms A529D, A528D.
Identifiers: ClinVar variation 4739183 (VCV004739183.1).
Genomic context (GRCh38, chrX:108,188,521, plus strand): 5'-AAGGGCACTTGAAAGATTCCATTGCTTCCTCAGGGTCAAAGTTTGGCAAGACTTACTGGA[G>T]CCCCTGCTGGGCCCTGTGCACCCCCAGAGCCTCGATCTCCTCTGGCTCCTTTAAGGCCTG-3'
Protein context (NP_378667.1, residues 518-538): GSGGAQGPAG[Ala528Asp]PGLVGPLGPS

ClinVar aggregate classification (germline): Uncertain significance (1 of 4 stars; one submission).

gnomAD v4.1: 1 of 1,108,202 alleles (0.00009%); highest among the groups gnomAD compares: Admixed American, 0.0033%; no homozygotes.

Submission:

Labcorp Genetics (formerly Invitae), Labcorp
Classification: Uncertain significance. Last evaluated: 2026-01-12. Review status: criteria provided, single submitter. Criteria: Invitae Variant Classification Sherloc (09022015). Collection method: clinical testing. Allele origin: germline.
Comment: This sequence change replaces alanine, which is neutral and non-polar, with aspartic acid, which is acidic and polar, at codon 529 of the COL4A6 protein (p.Ala529Asp). This variant is not present in population databases (gnomAD no frequency). This variant has not been reported in the literature in individuals affected with COL4A6-related conditions. Invitae Evidence Modeling of protein sequence and biophysical properties (such as structural, functional, and spatial information, amino acid conservation, physicochemical variation, residue mobility, and thermodynamic stability) indicates that this missense variant is not expected to disrupt COL4A6 protein function with a negative predictive value of 80%. In summary, the available evidence is currently insufficient to determine the role of this variant in disease. Therefore, it has been classified as a Variant of Uncertain Significance.